The following is an entry in ClinVar:

NM_016955.4(SEPSECS):c.*2209A>G

Gene: SEPSECS (Sep (O-phosphoserine) tRNA:Sec (selenocysteine) tRNA synthase; minus strand). Cytogenetic location: 4p15.2.
Variant type: single nucleotide variant.
Coding change: c.*2209A>G on transcript NM_016955.4 (MANE Select); 2209 bases downstream of the stop codon, A replaced by G.
Molecular consequence: 3 prime UTR variant.
Genome position (GRCh38, 1-based): chr4:25,121,722, T>C on the plus strand (A>G on the coding strand, the complement: SEPSECS is on the minus strand). VCF-style: chr4-25121722-T-C. GRCh37 (hg19) VCF-style: chr4-25123344-T-C.
Identifiers: ClinVar variation 348526 (VCV000348526.5), dbSNP rs9998044, ClinGen allele CA10620865.

ClinVar aggregate classification (germline): Likely benign (1 of 4 stars; one submission).

Conditions:
Pontocerebellar hypoplasia type 2D (PCH2D). Also called: Progressive cerebello-cerebral atrophy. Identifiers: Orphanet 247198, Orphanet 2524, MedGen C3151140, MONDO:0013438, OMIM 613811.

Allele frequency attached by ClinVar (database versions not stated): gnomAD 0.01717 and 0.01837; TOPMed 0.01966; 1000 Genomes Project 0.02097; 1000 Genomes Project 30x 0.02171.

Submission:

Illumina Laboratory Services, Illumina
Classification: Likely benign for Pontocerebellar hypoplasia type 2D. Last evaluated: 2017-04-27. Review status: criteria provided, single submitter. Criteria: ICSL Variant Classification Criteria 13 December 2019. Collection method: clinical testing. Allele origin: germline.
Comment: This variant was observed as part of a predisposition screen in an ostensibly healthy population. A literature search was performed for the gene, cDNA change, and amino acid change (where applicable). No publications were found based on this search. Allele frequency data from public databases allowed determination this variant is unlikely to cause disease. Therefore, this variant is classified as likely benign.